The following is an entry in ClinVar:

NM_015559.3(SETBP1):c.2740C>T (p.Arg914Trp)

Gene: SETBP1 (SET binding protein 1; plus strand). Cytogenetic location: 18q12.3.
Variant type: single nucleotide variant.
Coding change: c.2740C>T on transcript NM_015559.3 (MANE Select); coding-DNA position 2740, C replaced by T.
Protein change: p.Arg914Trp; replaces arginine 914 with tryptophan.
Molecular consequence: missense variant.
Genome position (GRCh38, 1-based): chr18:44,952,080, C>T. VCF-style: chr18-44952080-C-T. GRCh37 (hg19) VCF-style: chr18-42532045-C-T.
Other names: c.2740C>T (NM_015559.2); c.2740C>T, p.Arg914Trp (NM_001379141.1, NM_001379142.1, NM_001410862.1); short protein forms R914W.
Identifiers: ClinVar variation 2038245 (VCV002038245.7), dbSNP rs758128091, ClinGen allele CA8945791.
Genomic context (GRCh38, chr18:44,952,080, plus strand): 5'-TTTGATTTCTGCTCCCTGGACAACCCGGAGGCCATTCCGTCCGACACCAGCACAAAGAAC[C>T]GGCATGGCCACCGGCAAAAGCATCTCATTGTGGACAACTTTCTGGCCCACGAAAGCCTCA-3'
Protein context (NP_056374.2, residues 904-924): AIPSDTSTKN[Arg914Trp]HGHRQKHLIV

ClinVar aggregate classification (germline): Conflicting classifications of pathogenicity. Review status: criteria provided, conflicting classifications (1 of 4 stars). 2 submissions from 2 submitters: Uncertain significance (1); Likely benign (1). Last evaluated 2025-03-30.

Allele frequency attached by ClinVar (database versions not stated): gnomAD exomes 0.00001; ExAC 0.00002; TOPMed 0.00003; gnomAD 0.00005.
gnomAD v4.1: 24 of 1,613,964 alleles (0.0015%); highest among the groups gnomAD compares: South Asian, 0.013%; no homozygotes.

Submissions (2):

Labcorp Genetics (formerly Invitae), Labcorp
Classification: Likely benign. Last evaluated: 2025-03-30. Review status: criteria provided, single submitter. Criteria: Invitae Variant Classification Sherloc (09022015). Collection method: clinical testing. Allele origin: germline.

GeneDx
Classification: Uncertain significance. Last evaluated: 2022-07-26. Review status: criteria provided, single submitter. Criteria: GeneDx Variant Classification Process June 2021. Collection method: clinical testing. Allele origin: germline. Affected: yes.
Comment: In silico analysis supports that this missense variant has a deleterious effect on protein structure/function; Has not been previously published as pathogenic or benign to our knowledge